The following is an entry in ClinVar:

ClinVar aggregate classification (germline): Uncertain significance (1 of 4 stars; one submission).

gnomAD v4.1: 3 of 1,607,902 alleles (0.00019%); highest among the groups gnomAD compares: Non-Finnish European, 0.00017%; no homozygotes.

Submission:

Ambry Genetics
Classification: Uncertain significance. Last evaluated: 2024-09-21. Review status: criteria provided, single submitter. Criteria: Ambry Variant Classification Scheme 2023. Collection method: clinical testing. Allele origin: germline.
Comment: The p.R183C variant (also known as c.547C>T), located in coding exon 4 of the BUB3 gene, results from a C to T substitution at nucleotide position 547. The arginine at codon 183 is replaced by cysteine, an amino acid with highly dissimilar properties. This amino acid position is conserved. In addition, this alteration is predicted to be deleterious by in silico analysis. Based on the available evidence, the clinical significance of this variant remains unclear.

NM_004725.4(BUB3):c.547C>T (p.Arg183Cys)

Gene: BUB3 (BUB3 mitotic checkpoint protein; plus strand). Cytogenetic location: 10q26.13.
Variant type: single nucleotide variant.
Coding change: c.547C>T on transcript NM_004725.4 (MANE Select); coding-DNA position 547, C replaced by T.
Protein change: p.Arg183Cys; replaces arginine 183 with cysteine.
Molecular consequence: missense variant.
Genome position (GRCh38, 1-based): chr10:123,160,536, C>T. VCF-style: chr10-123160536-C-T. GRCh37 (hg19) VCF-style: chr10-124920052-C-T.
Other names: c.547C>T, p.Arg183Cys (NM_001007793.3); short protein forms R183C.
Identifiers: ClinVar variation 3483264 (VCV003483264.1).